The following is an entry in ClinVar:

ClinVar aggregate classification (germline): Uncertain significance. Review status: criteria provided, multiple submitters, no conflicts (2 of 4 stars). 2 submissions from 2 submitters: Uncertain significance (2). Last evaluated 2025-04-17.

Allele frequency attached by ClinVar (database versions not stated): gnomAD 0.00001; gnomAD exomes 0.00002; ExAC 0.00004.

Submissions (2):

Labcorp Genetics (formerly Invitae), Labcorp
Classification: Uncertain significance. Last evaluated: 2025-04-17. Review status: criteria provided, single submitter. Criteria: Invitae Variant Classification Sherloc (09022015). Collection method: clinical testing. Allele origin: germline.
Comment: This sequence change replaces arginine, which is basic and polar, with glutamine, which is neutral and polar, at codon 863 of the XYLT2 protein (p.Arg863Gln). This variant is present in population databases (rs765678964, gnomAD 0.01%). This variant has not been reported in the literature in individuals affected with XYLT2-related conditions. ClinVar contains an entry for this variant (Variation ID: 2155182). Invitae Evidence Modeling of protein sequence and biophysical properties (such as structural, functional, and spatial information, amino acid conservation, physicochemical variation, residue mobility, and thermodynamic stability) indicates that this missense variant is expected to disrupt XYLT2 protein function with a positive predictive value of 80%. In summary, the available evidence is currently insufficient to determine the role of this variant in disease. Therefore, it has been classified as a Variant of Uncertain Significance.

Blueprint Genetics
Classification: Uncertain significance. Last evaluated: 2020-08-05. Review status: criteria provided, single submitter. Criteria: ACMG Guidelines, 2015. Collection method: clinical testing. Allele origin: germline.

NM_022167.4(XYLT2):c.2588G>A (p.Arg863Gln)

Gene: XYLT2 (xylosyltransferase 2; plus strand). Cytogenetic location: 17q21.33.
Variant type: single nucleotide variant.
Coding change: c.2588G>A on transcript NM_022167.4 (MANE Select); coding-DNA position 2588, G replaced by A.
Protein change: p.Arg863Gln; replaces arginine 863 with glutamine.
Molecular consequence: missense variant.
Genome position (GRCh38, 1-based): chr17:50,360,281, G>A. VCF-style: chr17-50360281-G-A. GRCh37 (hg19) VCF-style: chr17-48437642-G-A.
Other names: short protein forms R863Q.
Identifiers: ClinVar variation 2155182 (VCV002155182.5), dbSNP rs765678964, ClinGen allele CA8646761.